The following is an entry in ClinVar:

NM_001723.7(DST):c.6161G>T (p.Gly2054Val)

Gene: DST (dystonin; minus strand). Cytogenetic location: 6p12.1.
Variant type: single nucleotide variant.
Coding change: c.6161G>T on transcript NM_001723.7 (MANE Plus Clinical); coding-DNA position 6161, G replaced by T.
Protein change: p.Gly2054Val; replaces glycine 2054 with valine.
Molecular consequence: missense variant. On other transcripts: intron variant (10).
Genome position (GRCh38, 1-based): chr6:56,617,306, C>A on the plus strand (G>T on the coding strand, the complement: DST is on the minus strand). VCF-style: chr6-56617306-C-A. GRCh37 (hg19) VCF-style: chr6-56482104-C-A.
Other names: c.4831-2822G>T (NM_001144769.5); c.4930-2822G>T (NM_001374722.1, NM_001374736.1); c.4957-2822G>T (NM_001374734.1); c.4417-2822G>T (NM_001144770.2); c.4297-2822G>T (NM_001374730.1, NM_001386100.1, NM_183380.4 and 1 more transcripts); c.3319-2822G>T (NM_015548.5); short protein forms G2054V.
Identifiers: ClinVar variation 640830 (VCV000640830.9), dbSNP rs1586763379, ClinGen allele CA364565738.

ClinVar aggregate classification (germline): Uncertain significance (1 of 4 stars; one submission).

Conditions:
Epidermolysis bullosa simplex 3, localized or generalized intermediate, with BP230 deficiency (EBS3). Also called: Epidermolysis bullosa simplex due to BP230 deficiency; Epidermolysis bullosa simplex, autosomal recessive 2. Identifiers: Orphanet 412181, MedGen C3809470, MONDO:0014180, OMIM 615425.
Hereditary sensory and autonomic neuropathy type 6. Also called: Neuropathy, hereditary sensory and autonomic, type VI; HSAN VI. Identifiers: Orphanet 314381, MedGen C3539003, MONDO:0013839, OMIM 614653.

gnomAD v4.1: 1 of 1,613,840 alleles (0.000062%); highest among the groups gnomAD compares: Non-Finnish European, 0.000085%; no homozygotes.

Submission:

Labcorp Genetics (formerly Invitae), Labcorp
Classification: Uncertain significance for Epidermolysis bullosa simplex 3, localized or generalized intermediate, with BP230 deficiency; Hereditary sensory and autonomic neuropathy type 6. Last evaluated: 2018-10-08. Review status: criteria provided, single submitter. Criteria: Invitae Variant Classification Sherloc (09022015). Collection method: clinical testing. Allele origin: germline.
Comment: In summary, the available evidence is currently insufficient to determine the role of this variant in disease. Therefore, it has been classified as a Variant of Uncertain Significance. Algorithms developed to predict the effect of missense changes on protein structure and function are either unavailable or do not agree on the potential impact of this missense change (SIFT: "Tolerated"; PolyPhen-2: "Benign"; Align-GVGD: "Class C0"). This variant has not been reported in the literature in individuals with DST-related disease. This variant is not present in population databases (ExAC no frequency). This sequence change replaces glycine with valine at codon 2054 of the DST protein (p.Gly2054Val). The glycine residue is weakly conserved and there is a moderate physicochemical difference between glycine and valine.